The following is an entry in ClinVar:

NM_006912.6(RIT1):c.356A>G (p.Tyr119Cys)

Gene: RIT1 (Ras like without CAAX 1; minus strand). Cytogenetic location: 1q22.
Variant type: single nucleotide variant.
Coding change: c.356A>G on transcript NM_006912.6 (MANE Select); coding-DNA position 356, A replaced by G.
Protein change: p.Tyr119Cys; replaces tyrosine 119 with cysteine.
Molecular consequence: missense variant.
Genome position (GRCh38, 1-based): chr1:155,904,384, T>C on the plus strand (A>G on the coding strand, the complement: RIT1 is on the minus strand). VCF-style: chr1-155904384-T-C. GRCh37 (hg19) VCF-style: chr1-155874175-T-C.
Other names: c.248A>G, p.Tyr83Cys (NM_001256820.2); c.407A>G, p.Tyr136Cys (NM_001256821.2); short protein forms Y119C, Y136C, Y83C.
Identifiers: ClinVar variation 1732769 (VCV001732769.2), dbSNP rs2527180191, ClinGen allele CA342802331.

ClinVar aggregate classification (germline): Uncertain significance (1 of 4 stars; one submission).

Conditions:
Cardiovascular phenotype. Identifiers: MedGen CN230736.

Submission:

Ambry Genetics
Classification: Uncertain significance for Cardiovascular phenotype. Last evaluated: 2022-09-16. Review status: criteria provided, single submitter. Criteria: Ambry Variant Classification Scheme 2023. Collection method: clinical testing. Allele origin: germline.
Comment: The p.Y119C variant (also known as c.356A>G), located in coding exon 4 of the RIT1 gene, results from an A to G substitution at nucleotide position 356. The tyrosine at codon 119 is replaced by cysteine, an amino acid with highly dissimilar properties. This amino acid position is conserved. In addition, the in silico prediction for this alteration is inconclusive. Since supporting evidence is limited at this time, the clinical significance of this alteration remains unclear.